The following is an entry in ClinVar:

ClinVar aggregate classification (germline): Uncertain significance (1 of 4 stars; one submission).

Conditions:
Hereditary cancer-predisposing syndrome. Also called: Neoplastic Syndromes, Hereditary; Tumor predisposition; Hereditary neoplastic syndrome; Hereditary Cancer Syndrome. Identifiers: Orphanet 140162, MedGen C0027672, MeSH D009386, MONDO:0015356.

Submission:

Ambry Genetics
Classification: Uncertain significance for Hereditary cancer-predisposing syndrome. Last evaluated: 2026-08-09. Review status: criteria provided, single submitter. Criteria: Ambry Variant Classification Scheme 2023. Collection method: clinical testing. Allele origin: germline.
Comment: The p.D334V variant (also known as c.1001A>T), located in coding exon 9 of the MITF gene, results from an A to T substitution at nucleotide position 1001. The aspartic acid at codon 334 is replaced by valine, an amino acid with highly dissimilar properties. This amino acid position is conserved. In addition, the in silico prediction for this alteration is inconclusive. Based on the available evidence, the clinical significance of this variant remains unclear.

NM_001354604.2(MITF):c.1322A>T (p.Asp441Val)

Gene: MITF (melanocyte inducing transcription factor; plus strand). Cytogenetic location: 3p13.
Variant type: single nucleotide variant.
Coding change: c.1322A>T on transcript NM_001354604.2 (MANE Select); coding-DNA position 1322, A replaced by T.
Protein change: p.Asp441Val; replaces aspartic acid 441 with valine.
Molecular consequence: missense variant.
Genome position (GRCh38, 1-based): chr3:69,964,989, A>T. VCF-style: chr3-69964989-A-T. GRCh37 (hg19) VCF-style: chr3-70014140-A-T.
Other names: c.1001A>T, p.Asp334Val (NM_000248.4); c.1148A>T, p.Asp383Val (NM_001184967.2, NM_001354608.2); c.1319A>T, p.Asp440Val (NM_001354605.2); c.1301A>T, p.Asp434Val (NM_001354606.2, NM_006722.3); c.1253A>T, p.Asp418Val (NM_001354607.2); c.983A>T, p.Asp328Val (NM_198158.3); c.1304A>T, p.Asp435Val (NM_198159.3); c.1256A>T, p.Asp419Val (NM_198177.3); and 1 more; short protein forms D272V, D334V, D418V, D434V, D328V, D383V, D419V, D440V.
Identifiers: ClinVar variation 5024482 (VCV005024482.1).